The following is an entry in ClinVar:

ClinVar aggregate classification (germline): Uncertain significance (0 of 4 stars; one submission).

Conditions:
DOCK6-related disorder. Also called: DOCK6-related condition.

gnomAD v4.1: 10 of 1,606,390 alleles (0.00062%); highest among the groups gnomAD compares: Middle Eastern, 0.017%; no homozygotes.

Submission:

PreventionGenetics, part of Exact Sciences
Classification: Uncertain significance for DOCK6-related condition. Last evaluated: 2024-06-28. Review status: no assertion criteria provided. Collection method: clinical testing. Allele origin: germline.
Comment: The DOCK6 c.4879G>C variant is predicted to result in the amino acid substitution p.Val1627Leu. To our knowledge, this variant has not been reported in the literature. This variant is reported in 0.020% of alleles in individuals of South Asian descent in gnomAD. At this time, the clinical significance of this variant is uncertain due to the absence of conclusive functional and genetic evidence.

NM_020812.4(DOCK6):c.4879G>C (p.Val1627Leu)

Genes: DOCK6 (dedicator of cytokinesis 6; minus strand), DOCK6-AS1 (DOCK6 antisense RNA 1; plus strand). Cytogenetic location: 19p13.2.
Variant type: single nucleotide variant.
Coding change: c.4879G>C on transcript NM_020812.4 (MANE Select); coding-DNA position 4879, G replaced by C.
Protein change: p.Val1627Leu; replaces valine 1627 with leucine.
Molecular consequence: missense variant.
Genome position (GRCh38, 1-based): chr19:11,208,976, C>G on the plus strand (G>C on the coding strand, the complement: DOCK6 is on the minus strand). VCF-style: chr19-11208976-C-G. GRCh37 (hg19) VCF-style: chr19-11319652-C-G.
Other names: c.4984G>C, p.Val1662Leu (NM_001367830.1); short protein forms V1627L, V1662L.
Identifiers: ClinVar variation 3349465 (VCV003349465.1).